The following is an entry in ClinVar:

ClinVar aggregate classification (germline): Likely pathogenic (1 of 4 stars; one submission).

Submission:

Labcorp Genetics (formerly Invitae), Labcorp
Classification: Likely pathogenic. Last evaluated: 2023-05-08. Review status: criteria provided, single submitter. Criteria: Invitae Variant Classification Sherloc (09022015). Collection method: clinical testing. Allele origin: germline.
Comment: This missense change has been observed in individual(s) with hypophosphatemia (Invitae). It has also been observed to segregate with disease in related individuals. ClinVar contains an entry for this variant (Variation ID: 1038451). Advanced modeling of protein sequence and biophysical properties (such as structural, functional, and spatial information, amino acid conservation, physicochemical variation, residue mobility, and thermodynamic stability) performed at Invitae indicates that this missense variant is expected to disrupt PHEX protein function. In summary, the currently available evidence indicates that the variant is pathogenic, but additional data are needed to prove that conclusively. Therefore, this variant has been classified as Likely Pathogenic. This variant is not present in population databases (gnomAD no frequency). This sequence change replaces cysteine, which is neutral and slightly polar, with phenylalanine, which is neutral and non-polar, at codon 617 of the PHEX protein (p.Cys617Phe).

NM_000444.6(PHEX):c.1850G>T (p.Cys617Phe)

Genes: PHEX (phosphate regulating endopeptidase X-linked; plus strand), PTCHD1-AS (PTCHD1 and PHEX antisense RNA; minus strand). Cytogenetic location: Xp22.11.
Variant type: single nucleotide variant.
Coding change: c.1850G>T on transcript NM_000444.6 (MANE Select); coding-DNA position 1850, G replaced by T.
Protein change: p.Cys617Phe; replaces cysteine 617 with phenylalanine.
Molecular consequence: missense variant.
Genome position (GRCh38, 1-based): chrX:22,221,694, G>T. VCF-style: chrX-22221694-G-T. GRCh37 (hg19) VCF-style: chrX-22239811-G-T.
Other names: c.1850G>T, p.Cys617Phe (NM_001282754.2); short protein forms C617F.
Identifiers: ClinVar variation 1038451 (VCV001038451.10), dbSNP rs1935273759, ClinGen allele CA412573775.